The following is an entry in ClinVar:

NM_001371986.1(UNC80):c.5208T>A (p.Phe1736Leu)

Genes: UNC80 (unc-80 homolog, NALCN channel complex subunit; plus strand), LOC126806490 (P300/CBP strongly-dependent group 1 enhancer GRCh37_chr2:210782411-210783610; plus strand). Cytogenetic location: 2q34.
Variant type: single nucleotide variant.
Coding change: c.5208T>A on transcript NM_001371986.1 (MANE Select); coding-DNA position 5208, T replaced by A.
Protein change: p.Phe1736Leu; replaces phenylalanine 1736 with leucine.
Molecular consequence: missense variant.
Genome position (GRCh38, 1-based): chr2:209,917,955, T>A. VCF-style: chr2-209917955-T-A. GRCh37 (hg19) VCF-style: chr2-210782679-T-A.
Other names: c.5010T>A, p.Phe1670Leu (NM_032504.2); c.4995T>A, p.Phe1665Leu (NM_182587.4); short protein forms F1736L, F1670L, F1665L.
Identifiers: ClinVar variation 2093114 (VCV002093114.1), dbSNP rs1471928721, ClinGen allele CA350759634.
Genomic context (GRCh38, chr2:209,917,955, plus strand): 5'-GCTCTGGAGGTTTCGCTATCAGGTCTGGCCCCGGATGGAGGAAGGGGCACAGCAGATTTT[T>A]AAGGTGAGGGATACTTCTCACAGAGGAGTTACATTAGCAAACCCAACCCAAGGTTTGTTT-3'
Protein context (NP_001358915.1, residues 1726-1746): PRMEEGAQQI[Phe1736Leu]KIPPPSINFT

ClinVar aggregate classification (germline): Uncertain significance (1 of 4 stars; one submission).

Submission:

Labcorp Genetics (formerly Invitae), Labcorp
Classification: Uncertain significance. Last evaluated: 2022-02-04. Review status: criteria provided, single submitter. Criteria: Invitae Variant Classification Sherloc (09022015). Collection method: clinical testing. Allele origin: germline.
Comment: This sequence change replaces phenylalanine, which is neutral and non-polar, with leucine, which is neutral and non-polar, at codon 1670 of the UNC80 protein (p.Phe1670Leu). This variant is not present in population databases (gnomAD no frequency). This variant has not been reported in the literature in individuals affected with UNC80-related conditions. Algorithms developed to predict the effect of missense changes on protein structure and function are either unavailable or do not agree on the potential impact of this missense change (SIFT: "Not Available"; PolyPhen-2: "Benign"; Align-GVGD: "Not Available"). In summary, the available evidence is currently insufficient to determine the role of this variant in disease. Therefore, it has been classified as a Variant of Uncertain Significance.